The following is an entry in ClinVar:

ClinVar aggregate classification (germline): Likely benign. Review status: criteria provided, multiple submitters, no conflicts (2 of 4 stars). 3 submissions from 3 submitters: Likely benign (3). Last evaluated 2025-02-05.

Conditions:
Charcot-Marie-Tooth disease type 2. Also called: Charcot-Marie-Tooth type 2. Identifiers: Orphanet 64746, MedGen C0270914, MONDO:0018993.
Cardiomyopathy (CMYO). Also called: Cardiomyopathies. Identifiers: Orphanet 167848, MedGen C0878544, MONDO:0004994, HP:0001638. Inheritance: Various modes of inheritance.
Primary dilated cardiomyopathy (DCM). Also called: Dilated Cardiomyopathy. Identifiers: Orphanet 217604, MedGen C0007193, MeSH D002311, MONDO:0005021, HP:0001644. Inheritance: Various modes of inheritance.

Allele frequency attached by ClinVar (database versions not stated): TOPMed below 0.00001; ExAC 0.00001.
gnomAD v4.1: 5 of 1,612,366 alleles (0.00031%); highest among the groups gnomAD compares: South Asian, 0.0055%; no homozygotes.

Submissions (3):

Labcorp Genetics (formerly Invitae), Labcorp
Classification: Likely benign for Charcot-Marie-Tooth disease type 2. Last evaluated: 2025-02-05. Review status: criteria provided, single submitter. Criteria: Invitae Variant Classification Sherloc (09022015). Collection method: clinical testing. Allele origin: germline.

All of Us Research Program, National Institutes of Health
Classification: Likely benign for Primary dilated cardiomyopathy. Last evaluated: 2023-08-15. Review status: criteria provided, single submitter. Criteria: ACMG Guidelines, 2015. Collection method: clinical testing. Allele origin: germline. Inheritance: Autosomal dominant inheritance. Observed: 2 variant alleles, 2 heterozygotes.
Comment: This study involves interpretation of variants in research participants for the purpose of population health screening. Participant phenotype was not available at the time of variant classification. Additional details can be found in publication PMID: 35346344, PMCID: PMC8962531

Color Diagnostics, LLC DBA Color Health
Classification: Likely benign for Cardiomyopathy. Last evaluated: 2018-10-15. Review status: criteria provided, single submitter. Criteria: ACMG Guidelines, 2015. Collection method: clinical testing. Allele origin: germline.

NM_170707.4(LMNA):c.249C>T (p.Ala83=)

Gene: LMNA (lamin A/C; plus strand). Cytogenetic location: 1q22.
Variant type: single nucleotide variant.
Coding change: c.249C>T on transcript NM_170707.4 (MANE Select); coding-DNA position 249, C replaced by T.
Protein change: p.Ala83=; no amino-acid change (alanine 83 retained).
Molecular consequence: synonymous variant.
Genome position (GRCh38, 1-based): chr1:156,115,167, C>T. VCF-style: chr1-156115167-C-T. GRCh37 (hg19) VCF-style: chr1-156084958-C-T.
Other names: c.249C>T, p.Ala83= (NM_001282625.2, NM_001282626.2, NM_005572.4 and 1 more transcripts).
Identifiers: ClinVar variation 629530 (VCV000629530.11), dbSNP rs746916710, ClinGen allele CA052092.
Genomic context (GRCh38, chr1:156,115,167, plus strand): 5'-CACCGAGTCTGAAGAGGTGGTCAGCCGCGAGGTGTCCGGCATCAAGGCCGCCTACGAGGC[C>T]GAGCTCGGGGATGCCCGCAAGACCCTTGACTCAGTAGCCAAGGAGCGCGCCCGCCTGCAG-3'
Protein context (NP_733821.1, residues 73-93): EVSGIKAAYE[Ala83=]ELGDARKTLD